The following is an entry in ClinVar:

ClinVar aggregate classification (germline): Conflicting classifications of pathogenicity. Review status: criteria provided, conflicting classifications (1 of 4 stars). 8 submissions from 8 submitters: Uncertain significance (4); Likely benign (2). 2 of the submissions do not count toward it. Last evaluated 2025-10-08.

Conditions:
Inborn genetic diseases. Identifiers: MedGen C0950123, MeSH D030342.
ADAMTS2-related disorder. Also called: ADAMTS2-related condition.
Ehlers-Danlos syndrome, dermatosparaxis type. Also called: EDS VIIC; Dermatosparaxis; Ehlers-Danlos syndrome, type VII, autosomal recessive. Identifiers: Orphanet 1901, MedGen C2700425, MONDO:0009161, OMIM 225410.

Allele frequency attached by ClinVar (database versions not stated): gnomAD 0.00007; ESP Exome Variant Server 0.00008; TOPMed 0.00008; gnomAD exomes 0.00019 and 0.00022; ExAC 0.00034.
gnomAD v4.1: 292 of 1,612,278 alleles (0.018%); highest among the groups gnomAD compares: Non-Finnish European, 0.023%; 1 homozygote.

Submissions (8):

Women's Health and Genetics/Laboratory Corporation of America, LabCorp
Classification: Uncertain significance. Last evaluated: 2025-10-08. Review status: criteria provided, single submitter. Criteria: LabCorp Variant Classification Summary - May 2015. Collection method: clinical testing. Allele origin: germline.
Comment: Variant summary: ADAMTS2 c.260G>T (p.Arg87Leu) results in a non-conservative amino acid change in the encoded protein sequence. Algorithms developed to predict the effect of missense changes on protein structure and function are either unavailable or do not agree on the potential impact of this missense change. The variant allele was found at a frequency of 0.00022 in 241206 control chromosomes in the gnomAD database, including 1 homozygote. This frequency is not significantly higher than estimated for disease-causing variants in ADAMTS2, allowing no conclusion about variant significance. To our knowledge, no occurrence of c.260G>T in individuals affected with ADAMTS2-related conditions and no experimental evidence demonstrating its impact on protein function have been reported. ClinVar contains an entry for this variant (Variation ID: 566194). Based on the evidence outlined above, the variant was classified as uncertain significance.

Ambry Genetics
Classification: Uncertain significance for Inborn genetic diseases. Last evaluated: 2025-09-01. Review status: criteria provided, single submitter. Criteria: Ambry Variant Classification Scheme 2023. Collection method: clinical testing. Allele origin: germline.

Blueprint Genetics
Classification: Likely benign. Last evaluated: 2024-10-02. Review status: criteria provided, single submitter. Criteria: ACMG Guidelines, 2015. Collection method: clinical testing. Allele origin: germline.

Labcorp Genetics (formerly Invitae), Labcorp
Classification: Uncertain significance for Ehlers-Danlos syndrome, dermatosparaxis type. Last evaluated: 2022-08-09. Review status: criteria provided, single submitter. Criteria: Invitae Variant Classification Sherloc (09022015). Collection method: clinical testing. Allele origin: germline.
Comment: This sequence change replaces arginine, which is basic and polar, with leucine, which is neutral and non-polar, at codon 87 of the ADAMTS2 protein (p.Arg87Leu). This variant is present in population databases (rs150047440, gnomAD 0.04%), including at least one homozygous and/or hemizygous individual. This variant has not been reported in the literature in individuals affected with ADAMTS2-related conditions. ClinVar contains an entry for this variant (Variation ID: 566194). Algorithms developed to predict the effect of missense changes on protein structure and function are either unavailable or do not agree on the potential impact of this missense change (SIFT: "Tolerated"; PolyPhen-2: "Probably Damaging"; Align-GVGD: "Class C0"). In summary, the available evidence is currently insufficient to determine the role of this variant in disease. Therefore, it has been classified as a Variant of Uncertain Significance.

GeneDx
Classification: Likely benign. Last evaluated: 2019-10-10. Review status: criteria provided, single submitter. Criteria: GeneDx Variant Classification Process June 2021. Collection method: clinical testing. Allele origin: germline. Affected: yes.

Eurofins Ntd Llc (ga)
Classification: Uncertain significance. Last evaluated: 2017-10-10. Review status: criteria provided, single submitter. Criteria: EGL Classification Definitions 2015. Collection method: clinical testing. Allele origin: germline. Observed: 1 variant allele, 1 heterozygote.

PreventionGenetics, part of Exact Sciences
Classification: Uncertain significance for ADAMTS2-related condition. Last evaluated: 2023-10-18. Review status: no assertion criteria provided. Collection method: clinical testing. Allele origin: germline. Not counted in ClinVar's aggregate classification.
Comment: The ADAMTS2 c.260G>T variant is predicted to result in the amino acid substitution p.Arg87Leu. To our knowledge, this variant has not been reported in the literature. This variant is reported in 0.044% of alleles in individuals of European (Non-Finnish) descent in gnomAD. At this time, the clinical significance of this variant is uncertain due to the absence of conclusive functional and genetic evidence.

Natera, Inc.
Classification: Benign for Ehlers-Danlos syndrome type VIIC. Last evaluated: 2020-09-03. Review status: no assertion criteria provided. Collection method: clinical testing. Allele origin: germline. Not counted in ClinVar's aggregate classification.

NM_014244.5(ADAMTS2):c.260G>T (p.Arg87Leu)

Gene: ADAMTS2 (ADAM metallopeptidase with thrombospondin type 1 motif 2; minus strand). Cytogenetic location: 5q35.3.
Variant type: single nucleotide variant.
Coding change: c.260G>T on transcript NM_014244.5 (MANE Select); coding-DNA position 260, G replaced by T.
Protein change: p.Arg87Leu; replaces arginine 87 with leucine.
Molecular consequence: missense variant.
Genome position (GRCh38, 1-based): chr5:179,344,041, C>A on the plus strand (G>T on the coding strand, the complement: ADAMTS2 is on the minus strand). VCF-style: chr5-179344041-C-A. GRCh37 (hg19) VCF-style: chr5-178771042-C-A.
Other names: c.260G>T, p.Arg87Leu (NM_021599.4); short protein forms R87L.
Identifiers: ClinVar variation 566194 (VCV000566194.17), dbSNP rs150047440, ClinGen allele CA3596358.
Genomic context (GRCh38, chr5:179,344,041, plus strand): 5'-CTGCCAGGCTCCTCCTCGTTGCCTCCGGGGAAGCTCGGGGTCCGGACCGGGGCGGCCCTG[C>A]GGGCTCGTACCCCTGCTCTGGACGTAGCTGCCGACACCACGTGGGACACCAAGCGGCCCT-3'
Protein context (NP_055059.2, residues 77-97): AATSRAGVRA[Arg87Leu]RAAPVRTPSF